The following is an entry in ClinVar:

ClinVar aggregate classification (germline): Pathogenic/Likely pathogenic. Review status: criteria provided, multiple submitters, no conflicts (2 of 4 stars). 2 submissions from 2 submitters: Pathogenic (1); Likely pathogenic (1). Last evaluated 2026-03-30.

Conditions:
Inborn genetic diseases. Identifiers: MedGen C0950123, MeSH D030342.
Intellectual developmental disorder, X-linked, syndromic, Siderius type. Also called: Syndromic X-linked intellectual disability Siderius type. Identifiers: Orphanet 85287, MedGen C1846055, MONDO:0010286, OMIM 300263.

gnomAD v4.1: 2 of 1,209,473 alleles (0.00017%); highest among the groups gnomAD compares: Non-Finnish European, 0.00022%; no homozygotes.

Submissions (2):

Ambry Genetics
Classification: Pathogenic for Inborn genetic diseases. Last evaluated: 2026-03-30. Review status: criteria provided, single submitter. Criteria: Ambry Variant Classification Scheme 2023. Collection method: clinical testing. Allele origin: germline.
Comment: The c.1516C>T (p.R506*) alteration, located in exon 13 (coding exon 12) of the PHF8 gene, consists of a C to T substitution at nucleotide position 1516. This changes the amino acid from a arginine (R) to a stop codon at amino acid position 506. This variant is expected to result in loss of function by premature protein truncation or nonsense-mediated mRNA decay. This variant was not reported in population-based cohorts in the Genome Aggregation Database (gnomAD). Based on the available evidence, this alteration is classified as pathogenic.

Juno Genomics, Hangzhou Juno Genomics, Inc
Classification: Likely pathogenic for Intellectual developmental disorder, X-linked, syndromic, Siderius type. Review status: criteria provided, single submitter. Criteria: ACMG Guidelines, 2015. Collection method: clinical testing. Allele origin: germline. Affected: yes.
Comment: Null variant in a gene where loss of function (LOF) is a known mechanism of disease.

NM_015107.3(PHF8):c.1516C>T (p.Arg506Ter)

Gene: PHF8 (PHD finger protein 8; minus strand). Cytogenetic location: Xp11.22.
Variant type: single nucleotide variant.
Coding change: c.1516C>T on transcript NM_015107.3 (MANE Select); coding-DNA position 1516, C replaced by T.
Protein change: p.Arg506Ter; replaces arginine 506 with a stop codon.
Molecular consequence: nonsense. On other transcripts: intron variant (1).
Genome position (GRCh38, 1-based): chrX:53,993,711, G>A on the plus strand (C>T on the coding strand, the complement: PHF8 is on the minus strand). VCF-style: chrX-53993711-G-A. GRCh37 (hg19) VCF-style: chrX-54020144-G-A.
Other names: c.1516C>T (NM_015107.2); c.1624C>T, p.Arg542Ter (NM_001184896.1); c.1516C>T, p.Arg506Ter (NM_001184898.2); c.1324-872C>T (NM_001184897.2); short protein forms R506*, R542*.
Identifiers: ClinVar variation 3382447 (VCV003382447.3).